The following is an entry in ClinVar:

NM_014806.5(RUSC2):c.3691G>A (p.Gly1231Ser)

Gene: RUSC2 (RUN and SH3 domain containing 2; plus strand). Cytogenetic location: 9p13.3.
Variant type: single nucleotide variant.
Coding change: c.3691G>A on transcript NM_014806.5 (MANE Select); coding-DNA position 3691, G replaced by A.
Protein change: p.Gly1231Ser; replaces glycine 1231 with serine.
Molecular consequence: missense variant. On other transcripts: non-coding transcript variant (1).
Genome position (GRCh38, 1-based): chr9:35,560,331, G>A. VCF-style: chr9-35560331-G-A. GRCh37 (hg19) VCF-style: chr9-35560328-G-A.
Other names: c.3691G>A, p.Gly1231Ser (NM_001135999.2); c.1057G>A, p.Gly353Ser (NM_001330740.2); short protein forms G353S, G1231S.
Identifiers: ClinVar variation 1368608 (VCV001368608.5), dbSNP rs767148687, ClinGen allele CA5044218.

ClinVar aggregate classification (germline): Uncertain significance (1 of 4 stars; one submission).

Allele frequency attached by ClinVar (database versions not stated): gnomAD exomes below 0.00001 and 0.00001; gnomAD 0.00001; ExAC 0.00002; TOPMed 0.00002.
gnomAD v4.1: 3 of 1,609,192 alleles (0.00019%); highest among the groups gnomAD compares: African/African-American, 0.0027%; no homozygotes.

Submission:

Labcorp Genetics (formerly Invitae), Labcorp
Classification: Uncertain significance. Last evaluated: 2022-09-01. Review status: criteria provided, single submitter. Criteria: Invitae Variant Classification Sherloc (09022015). Collection method: clinical testing. Allele origin: germline.
Comment: This sequence change replaces glycine, which is neutral and non-polar, with serine, which is neutral and polar, at codon 1231 of the RUSC2 protein (p.Gly1231Ser). This variant is present in population databases (rs767148687, gnomAD 0.007%). This variant has not been reported in the literature in individuals affected with RUSC2-related conditions. ClinVar contains an entry for this variant (Variation ID: 1368608). Algorithms developed to predict the effect of missense changes on protein structure and function (SIFT, PolyPhen-2, Align-GVGD) all suggest that this variant is likely to be disruptive. In summary, the available evidence is currently insufficient to determine the role of this variant in disease. Therefore, it has been classified as a Variant of Uncertain Significance.